The following is an entry in ClinVar:

NM_002941.4(ROBO1):c.4930GAA[3] (p.Glu1645dup)

Gene: ROBO1 (roundabout guidance receptor 1; minus strand). Cytogenetic location: 3p12.3.
Variant type: Microsatellite.
Coding change: c.4930GAA[3] on transcript NM_002941.4 (MANE Select); three copies in a row of the 3-base unit GAA starting at c.4930; the reference has two copies in a row; one copy, 3 bases duplicated.
Protein change: p.Glu1645dup; duplicates glutamic acid 1645.
Molecular consequence: inframe insertion.
Genome position (GRCh38, 1-based): chr3:78,600,119-78,600,121, TTC duplicated on the plus strand (GAA on the coding strand, the reverse complement: ROBO1 is on the minus strand); duplicating any 3 consecutive bases within chr3:78,600,119-78,600,124 gives the same sequence; the position shown is the placement nearest the transcript's 3' end. VCF-style (leftmost placement, unchanged base first): chr3-78600118-A-ATTC. GRCh37 (hg19) VCF-style: chr3-78649268-A-ATTC.
Other names: c.4630GAA[3], p.Glu1545dup (NM_001145845.2); c.4795GAA[3], p.Glu1600dup (NM_133631.4).
Identifiers: ClinVar variation 1383848 (VCV001383848.6), dbSNP rs1301063267, ClinGen allele CA544502405.

ClinVar aggregate classification (germline): Uncertain significance (1 of 4 stars; one submission).

Submission:

Labcorp Genetics (formerly Invitae), Labcorp
Classification: Uncertain significance. Last evaluated: 2021-11-20. Review status: criteria provided, single submitter. Criteria: Invitae Variant Classification Sherloc (09022015). Collection method: clinical testing. Allele origin: germline.
Comment: This variant, c.4933_4935dup, results in the insertion of 1 amino acid(s) of the ROBO1 protein (p.Glu1645dup), but otherwise preserves the integrity of the reading frame. This variant is present in population databases (no rsID available, gnomAD 0.0009%). This variant has not been reported in the literature in individuals affected with ROBO1-related conditions. Experimental studies and prediction algorithms are not available or were not evaluated, and the functional significance of this variant is currently unknown. In summary, the available evidence is currently insufficient to determine the role of this variant in disease. Therefore, it has been classified as a Variant of Uncertain Significance.